The following is an entry in ClinVar:

ClinVar aggregate classification (germline): Likely benign. Review status: criteria provided, single submitter (1 of 4 stars). 2 submissions from 2 submitters: Likely benign (1). 1 of the submissions does not count toward it. Last evaluated 2024-08-29.

Conditions:
UNC45B-related disorder. Also called: UNC45B-related condition.

Allele frequency attached by ClinVar (database versions not stated): ESP Exome Variant Server 0.00008; ExAC 0.00017; gnomAD 0.00017; gnomAD exomes 0.00020; TOPMed 0.00023.
gnomAD v4.1: 327 of 1,614,058 alleles (0.02%); highest among the groups gnomAD compares: Admixed American, 0.057%; no homozygotes.

Submissions (2):

Labcorp Genetics (formerly Invitae), Labcorp
Classification: Likely benign. Last evaluated: 2024-08-29. Review status: criteria provided, single submitter. Criteria: Invitae Variant Classification Sherloc (09022015). Collection method: clinical testing. Allele origin: germline.

PreventionGenetics, part of Exact Sciences
Classification: Likely benign for UNC45B-related condition. Last evaluated: 2023-05-27. Review status: no assertion criteria provided. Collection method: clinical testing. Allele origin: germline. Not counted in ClinVar's aggregate classification.
Comment: This variant is classified as likely benign based on ACMG/AMP sequence variant interpretation guidelines (Richards et al. 2015 PMID: 25741868, with internal and published modifications).

NM_001267052.2(UNC45B):c.765G>A (p.Glu255=)

Gene: UNC45B (unc-45 myosin chaperone B; plus strand). Cytogenetic location: 17q12.
Variant type: single nucleotide variant.
Coding change: c.765G>A on transcript NM_001267052.2 (MANE Select); coding-DNA position 765, G replaced by A.
Protein change: p.Glu255=; no amino-acid change (glutamic acid 255 retained).
Molecular consequence: synonymous variant.
Genome position (GRCh38, 1-based): chr17:35,155,421, G>A. VCF-style: chr17-35155421-G-A. GRCh37 (hg19) VCF-style: chr17-33482440-G-A.
Other names: c.765G>A, p.Glu255= (NM_001033576.2, NM_001308281.1, NM_173167.3).
Identifiers: ClinVar variation 2717410 (VCV002717410.5), dbSNP rs371424117, ClinGen allele CA8500929.